The following is an entry in ClinVar:

ClinVar aggregate classification (germline): Pathogenic (1 of 4 stars; one submission).

Conditions:
Peroxisome biogenesis disorder. Identifiers: Orphanet 79189, MedGen C1832200, MONDO:0019234. Disease mechanism: loss of function.

Submission:

Myriad Genetics, Inc.
Classification: Pathogenic for Peroxisome biogenesis disorder. Last evaluated: 2024-03-24. Review status: criteria provided, single submitter. Criteria: Myriad Autosomal Dominant, Autosomal Recessive and X-Linked Classification Criteria (2023). Collection method: clinical testing. Allele origin: unknown.
Comment: NM_153818.1(PEX10):c.297dupT(A100Cfs*21) is expected to be pathogenic in the context of peroxisome biogenesis disorder type 6. This variant is predicted to lead to an abnormal or absent protein product due to the creation of a premature termination codon in PEX10, a gene where loss-of-function variants are known to be pathogenic. Please note: this variant was assessed in the context of healthy population screening.

NM_002617.4(PEX10):c.297dup (p.Ala100fs)

Gene: PEX10 (peroxisomal biogenesis factor 10; minus strand). Cytogenetic location: 1p36.32.
Variant type: Duplication.
Coding change: c.297dup on transcript NM_002617.4 (MANE Select); coding-DNA position 297, one base duplicated (T; older notation c.297dupT).
Protein change: p.Ala100fs; shifts the reading frame from alanine 100.
Molecular consequence: frameshift variant. On other transcripts: 5 prime UTR variant (2), non-coding transcript variant (1).
Genome position (GRCh38, 1-based): chr1:2,408,755, A duplicated on the plus strand (T on the coding strand, the reverse complement: PEX10 is on the minus strand). VCF-style (leftmost placement, unchanged base first): chr1-2408754-C-CA. GRCh37 (hg19) VCF-style: chr1-2340193-C-CA.
Other names: c.297dup, p.Ala100fs (NM_001374425.1, NM_153818.2); c.-136dup (NM_001374426.1, NM_001374427.1); short protein forms A100fs.
Identifiers: ClinVar variation 5012861 (VCV005012861.1).